The following continues an entry in ClinVar:

NM_004456.5(EZH2):c.2110+6T>G

Gene: EZH2. ClinVar aggregate classification (germline): Benign. Benign (7).

Submissions 70 to 111 of 111:

Dr. Peter K. Rogan Lab, Western University
No classification provided (evidence only). Condition: Uveal melanoma. Review status: no classification provided. Collection method: in vitro. Allele origin: not applicable. Functional consequence: retained intron. Not counted in ClinVar's aggregate classification.

Dr. Peter K. Rogan Lab, Western University
No classification provided (evidence only). Condition: Chronic lymphocytic leukemia/small lymphocytic lymphoma. Review status: no classification provided. Collection method: in vitro. Allele origin: not applicable. Functional consequence: retained intron. Not counted in ClinVar's aggregate classification.

Dr. Peter K. Rogan Lab, Western University
No classification provided (evidence only). Condition: Chronic lymphocytic leukemia/small lymphocytic lymphoma. Review status: no classification provided. Collection method: in vitro. Allele origin: not applicable. Functional consequence: retained intron. Not counted in ClinVar's aggregate classification.

Dr. Peter K. Rogan Lab, Western University
No classification provided (evidence only). Condition: Chronic lymphocytic leukemia/small lymphocytic lymphoma. Review status: no classification provided. Collection method: in vitro. Allele origin: not applicable. Functional consequence: retained intron. Not counted in ClinVar's aggregate classification.

Dr. Peter K. Rogan Lab, Western University
No classification provided (evidence only). Condition: Chronic lymphocytic leukemia/small lymphocytic lymphoma. Review status: no classification provided. Collection method: in vitro. Allele origin: not applicable. Functional consequence: retained intron. Not counted in ClinVar's aggregate classification.

Dr. Peter K. Rogan Lab, Western University
No classification provided (evidence only). Condition: Chronic lymphocytic leukemia/small lymphocytic lymphoma. Review status: no classification provided. Collection method: in vitro. Allele origin: not applicable. Functional consequence: retained intron. Not counted in ClinVar's aggregate classification.

Dr. Peter K. Rogan Lab, Western University
No classification provided (evidence only). Condition: Chronic lymphocytic leukemia/small lymphocytic lymphoma. Review status: no classification provided. Collection method: in vitro. Allele origin: not applicable. Functional consequence: retained intron. Not counted in ClinVar's aggregate classification.

Dr. Peter K. Rogan Lab, Western University
No classification provided (evidence only). Condition: Chronic lymphocytic leukemia/small lymphocytic lymphoma. Review status: no classification provided. Collection method: in vitro. Allele origin: not applicable. Functional consequence: retained intron. Not counted in ClinVar's aggregate classification.

Dr. Peter K. Rogan Lab, Western University
No classification provided (evidence only). Condition: Nonpapillary renal cell carcinoma. Review status: no classification provided. Collection method: in vitro. Allele origin: not applicable. Functional consequence: retained intron. Not counted in ClinVar's aggregate classification.

Dr. Peter K. Rogan Lab, Western University
No classification provided (evidence only). Condition: Nonpapillary renal cell carcinoma. Review status: no classification provided. Collection method: in vitro. Allele origin: not applicable. Functional consequence: retained intron. Not counted in ClinVar's aggregate classification.

Dr. Peter K. Rogan Lab, Western University
No classification provided (evidence only). Condition: Nonpapillary renal cell carcinoma. Review status: no classification provided. Collection method: in vitro. Allele origin: not applicable. Functional consequence: retained intron. Not counted in ClinVar's aggregate classification.

Dr. Peter K. Rogan Lab, Western University
No classification provided (evidence only). Condition: Nonpapillary renal cell carcinoma. Review status: no classification provided. Collection method: in vitro. Allele origin: not applicable. Functional consequence: retained intron. Not counted in ClinVar's aggregate classification.

Dr. Peter K. Rogan Lab, Western University
No classification provided (evidence only). Condition: Familial pancreatic carcinoma. Review status: no classification provided. Collection method: in vitro. Allele origin: not applicable. Functional consequence: retained intron. Not counted in ClinVar's aggregate classification.

Dr. Peter K. Rogan Lab, Western University
No classification provided (evidence only). Condition: Familial pancreatic carcinoma. Review status: no classification provided. Collection method: in vitro. Allele origin: not applicable. Functional consequence: retained intron. Not counted in ClinVar's aggregate classification.

Dr. Peter K. Rogan Lab, Western University
No classification provided (evidence only). Condition: Familial pancreatic carcinoma. Review status: no classification provided. Collection method: in vitro. Allele origin: not applicable. Functional consequence: retained intron. Not counted in ClinVar's aggregate classification.

Dr. Peter K. Rogan Lab, Western University
No classification provided (evidence only). Condition: Familial pancreatic carcinoma. Review status: no classification provided. Collection method: in vitro. Allele origin: not applicable. Functional consequence: retained intron. Not counted in ClinVar's aggregate classification.

Dr. Peter K. Rogan Lab, Western University
No classification provided (evidence only). Condition: Hepatocellular carcinoma. Review status: no classification provided. Collection method: in vitro. Allele origin: not applicable. Functional consequence: retained intron. Not counted in ClinVar's aggregate classification.

Dr. Peter K. Rogan Lab, Western University
No classification provided (evidence only). Condition: Hepatocellular carcinoma. Review status: no classification provided. Collection method: in vitro. Allele origin: not applicable. Functional consequence: retained intron. Not counted in ClinVar's aggregate classification.

Dr. Peter K. Rogan Lab, Western University
No classification provided (evidence only). Condition: Hepatocellular carcinoma. Review status: no classification provided. Collection method: in vitro. Allele origin: not applicable. Functional consequence: retained intron. Not counted in ClinVar's aggregate classification.

Dr. Peter K. Rogan Lab, Western University
No classification provided (evidence only). Condition: Hepatocellular carcinoma. Review status: no classification provided. Collection method: in vitro. Allele origin: not applicable. Functional consequence: retained intron. Not counted in ClinVar's aggregate classification.

Dr. Peter K. Rogan Lab, Western University
No classification provided (evidence only). Condition: Hepatocellular carcinoma. Review status: no classification provided. Collection method: in vitro. Allele origin: not applicable. Functional consequence: retained intron. Not counted in ClinVar's aggregate classification.

Dr. Peter K. Rogan Lab, Western University
No classification provided (evidence only). Condition: Hepatocellular carcinoma. Review status: no classification provided. Collection method: in vitro. Allele origin: not applicable. Functional consequence: retained intron. Not counted in ClinVar's aggregate classification.

Dr. Peter K. Rogan Lab, Western University
No classification provided (evidence only). Condition: Lymphoma. Review status: no classification provided. Collection method: in vitro. Allele origin: not applicable. Functional consequence: retained intron. Not counted in ClinVar's aggregate classification.

Dr. Peter K. Rogan Lab, Western University
No classification provided (evidence only). Condition: Lymphoma. Review status: no classification provided. Collection method: in vitro. Allele origin: not applicable. Functional consequence: retained intron. Not counted in ClinVar's aggregate classification.

Dr. Peter K. Rogan Lab, Western University
No classification provided (evidence only). Condition: Lymphoma. Review status: no classification provided. Collection method: in vitro. Allele origin: not applicable. Functional consequence: retained intron. Not counted in ClinVar's aggregate classification.

Dr. Peter K. Rogan Lab, Western University
No classification provided (evidence only). Condition: Lymphoma. Review status: no classification provided. Collection method: in vitro. Allele origin: not applicable. Functional consequence: retained intron. Not counted in ClinVar's aggregate classification.

Dr. Peter K. Rogan Lab, Western University
No classification provided (evidence only). Condition: Lymphoma. Review status: no classification provided. Collection method: in vitro. Allele origin: not applicable. Functional consequence: retained intron. Not counted in ClinVar's aggregate classification.

Dr. Peter K. Rogan Lab, Western University
No classification provided (evidence only). Condition: Lymphoma. Review status: no classification provided. Collection method: in vitro. Allele origin: not applicable. Functional consequence: retained intron. Not counted in ClinVar's aggregate classification.

Dr. Peter K. Rogan Lab, Western University
No classification provided (evidence only). Condition: Lymphoma. Review status: no classification provided. Collection method: in vitro. Allele origin: not applicable. Functional consequence: retained intron. Not counted in ClinVar's aggregate classification.

Dr. Peter K. Rogan Lab, Western University
No classification provided (evidence only). Condition: Lymphoma. Review status: no classification provided. Collection method: in vitro. Allele origin: not applicable. Functional consequence: retained intron. Not counted in ClinVar's aggregate classification.

Dr. Peter K. Rogan Lab, Western University
No classification provided (evidence only). Condition: Lymphoma. Review status: no classification provided. Collection method: in vitro. Allele origin: not applicable. Functional consequence: retained intron. Not counted in ClinVar's aggregate classification.

Dr. Peter K. Rogan Lab, Western University
No classification provided (evidence only). Condition: Lymphoma. Review status: no classification provided. Collection method: in vitro. Allele origin: not applicable. Functional consequence: retained intron. Not counted in ClinVar's aggregate classification.

Dr. Peter K. Rogan Lab, Western University
No classification provided (evidence only). Condition: Lymphoma. Review status: no classification provided. Collection method: in vitro. Allele origin: not applicable. Functional consequence: retained intron. Not counted in ClinVar's aggregate classification.

Dr. Peter K. Rogan Lab, Western University
No classification provided (evidence only). Condition: Ovarian cancer. Review status: no classification provided. Collection method: in vitro. Allele origin: not applicable. Functional consequence: retained intron. Not counted in ClinVar's aggregate classification.

Dr. Peter K. Rogan Lab, Western University
No classification provided (evidence only). Condition: Ovarian cancer. Review status: no classification provided. Collection method: in vitro. Allele origin: not applicable. Functional consequence: retained intron. Not counted in ClinVar's aggregate classification.

Dr. Peter K. Rogan Lab, Western University
No classification provided (evidence only). Condition: Ovarian cancer. Review status: no classification provided. Collection method: in vitro. Allele origin: not applicable. Functional consequence: retained intron. Not counted in ClinVar's aggregate classification.

Dr. Peter K. Rogan Lab, Western University
No classification provided (evidence only). Condition: Ovarian cancer. Review status: no classification provided. Collection method: in vitro. Allele origin: not applicable. Functional consequence: retained intron. Not counted in ClinVar's aggregate classification.

Dr. Peter K. Rogan Lab, Western University
No classification provided (evidence only). Condition: Ovarian cancer. Review status: no classification provided. Collection method: in vitro. Allele origin: not applicable. Functional consequence: retained intron. Not counted in ClinVar's aggregate classification.

Dr. Peter K. Rogan Lab, Western University
No classification provided (evidence only). Condition: Ovarian cancer. Review status: no classification provided. Collection method: in vitro. Allele origin: not applicable. Functional consequence: retained intron. Not counted in ClinVar's aggregate classification.

Dr. Peter K. Rogan Lab, Western University
No classification provided (evidence only). Condition: Ovarian cancer. Review status: no classification provided. Collection method: in vitro. Allele origin: not applicable. Functional consequence: retained intron. Not counted in ClinVar's aggregate classification.

Dr. Peter K. Rogan Lab, Western University
No classification provided (evidence only). Condition: Ovarian cancer. Review status: no classification provided. Collection method: in vitro. Allele origin: not applicable. Functional consequence: retained intron. Not counted in ClinVar's aggregate classification.

Dr. Peter K. Rogan Lab, Western University
No classification provided (evidence only). Condition: Ovarian cancer. Review status: no classification provided. Collection method: in vitro. Allele origin: not applicable. Functional consequence: retained intron. Not counted in ClinVar's aggregate classification.